The following is an entry in ClinVar:

NM_000836.4(GRIN2D):c.2256G>A (p.Lys752=)

Gene: GRIN2D (glutamate ionotropic receptor NMDA type subunit 2D; plus strand). Cytogenetic location: 19q13.33.
Variant type: single nucleotide variant.
Coding change: c.2256G>A on transcript NM_000836.4 (MANE Select); coding-DNA position 2256, G replaced by A.
Protein change: p.Lys752=; no amino-acid change (lysine 752 retained).
Molecular consequence: synonymous variant.
Genome position (GRCh38, 1-based): chr19:48,441,772, G>A. VCF-style: chr19-48441772-G-A. GRCh37 (hg19) VCF-style: chr19-48945029-G-A.
Identifiers: ClinVar variation 2765990 (VCV002765990.3), dbSNP rs2513690398, ClinGen allele CA508041955.

ClinVar aggregate classification (germline): Uncertain significance (1 of 4 stars; one submission).

Submission:

Labcorp Genetics (formerly Invitae), Labcorp
Classification: Uncertain significance. Last evaluated: 2023-10-05. Review status: criteria provided, single submitter. Criteria: Invitae Variant Classification Sherloc (09022015). Collection method: clinical testing. Allele origin: germline.
Comment: This sequence change affects codon 752 of the GRIN2D mRNA. It is a 'silent' change, meaning that it does not change the encoded amino acid sequence of the GRIN2D protein. This variant is not present in population databases (gnomAD no frequency). This variant has not been reported in the literature in individuals affected with GRIN2D-related conditions. Algorithms developed to predict the effect of sequence changes on RNA splicing suggest that this variant may disrupt the consensus splice site. In summary, the available evidence is currently insufficient to determine the role of this variant in disease. Therefore, it has been classified as a Variant of Uncertain Significance.